The following is an entry in ClinVar:

NM_015512.5(DNAH1):c.9391G>A (p.Val3131Met)

Gene: DNAH1 (dynein axonemal heavy chain 1; plus strand). Cytogenetic location: 3p21.1.
Variant type: single nucleotide variant.
Coding change: c.9391G>A on transcript NM_015512.5 (MANE Select); coding-DNA position 9391, G replaced by A.
Protein change: p.Val3131Met; replaces valine 3131 with methionine.
Molecular consequence: missense variant.
Genome position (GRCh38, 1-based): chr3:52,388,833, G>A. VCF-style: chr3-52388833-G-A. GRCh37 (hg19) VCF-style: chr3-52422849-G-A.
Other names: short protein forms V3131M.
Identifiers: ClinVar variation 2932992 (VCV002932992.1), dbSNP rs762147594, ClinGen allele CA2435516.

ClinVar aggregate classification (germline): Uncertain significance (1 of 4 stars; one submission).

Conditions:
Spermatogenic failure 18. Identifiers: MedGen C4539783, MONDO:0054615, OMIM 617576.
Ciliary dyskinesia, primary, 37 (CILD37). Also called: CILIARY DYSKINESIA, PRIMARY, 37, WITH OR WITHOUT SITUS INVERSUS. Identifiers: MedGen C4539798, MONDO:0033204, OMIM 617577.

Allele frequency attached by ClinVar (database versions not stated): gnomAD exomes below 0.00001; ExAC 0.00002.
gnomAD v4.1: 6 of 1,613,742 alleles (0.00037%); highest among the groups gnomAD compares: East Asian, 0.0022%; no homozygotes.

Submission:

Labcorp Genetics (formerly Invitae), Labcorp
Classification: Uncertain significance for Ciliary dyskinesia, primary, 37; Spermatogenic failure 18. Last evaluated: 2023-11-19. Review status: criteria provided, single submitter. Criteria: Invitae Variant Classification Sherloc (09022015). Collection method: clinical testing. Allele origin: germline.
Comment: This sequence change replaces valine, which is neutral and non-polar, with methionine, which is neutral and non-polar, at codon 3131 of the DNAH1 protein (p.Val3131Met). This variant is present in population databases (rs762147594, gnomAD 0.002%). This variant has not been reported in the literature in individuals affected with DNAH1-related conditions. Advanced modeling of protein sequence and biophysical properties (such as structural, functional, and spatial information, amino acid conservation, physicochemical variation, residue mobility, and thermodynamic stability) performed at Invitae indicates that this missense variant is not expected to disrupt DNAH1 protein function with a negative predictive value of 80%. In summary, the available evidence is currently insufficient to determine the role of this variant in disease. Therefore, it has been classified as a Variant of Uncertain Significance.